The following is an entry in ClinVar:

ClinVar aggregate classification (germline): Uncertain significance (1 of 4 stars; one submission).

Conditions:
Deficiency of butyryl-CoA dehydrogenase (ACADSD). Also called: SCADH DEFICIENCY; ACADS DEFICIENCY; Short-Chain Acyl-CoA Dehydrogenase Deficiency; ACYL-CoA DEHYDROGENASE, SHORT-CHAIN, DEFICIENCY OF; SCAD DEFICIENCY, MILD; SCAD Deficiency. Identifiers: Orphanet 26792, MedGen C0342783, MONDO:0008722, OMIM 201470. Disease mechanism: May be benign.

Allele frequency attached by ClinVar (database versions not stated): ExAC 0.00001; gnomAD 0.00001; gnomAD exomes 0.00003.
gnomAD v4.1: 18 of 1,613,752 alleles (0.0011%); highest among the groups gnomAD compares: East Asian, 0.029%; no homozygotes.

Submission:

Labcorp Genetics (formerly Invitae), Labcorp
Classification: Uncertain significance for Deficiency of butyryl-CoA dehydrogenase. Last evaluated: 2024-01-24. Review status: criteria provided, single submitter. Criteria: Invitae Variant Classification Sherloc (09022015). Collection method: clinical testing. Allele origin: germline.
Comment: This sequence change replaces alanine, which is neutral and non-polar, with valine, which is neutral and non-polar, at codon 165 of the ACADS protein (p.Ala165Val). This variant is present in population databases (rs770417119, gnomAD 0.009%). This variant has not been reported in the literature in individuals affected with ACADS-related conditions. ClinVar contains an entry for this variant (Variation ID: 2163675). Advanced modeling of protein sequence and biophysical properties (such as structural, functional, and spatial information, amino acid conservation, physicochemical variation, residue mobility, and thermodynamic stability) performed at Invitae indicates that this missense variant is expected to disrupt ACADS protein function with a positive predictive value of 95%. In summary, the available evidence is currently insufficient to determine the role of this variant in disease. Therefore, it has been classified as a Variant of Uncertain Significance.

NM_000017.4(ACADS):c.494C>T (p.Ala165Val)

Gene: ACADS (acyl-CoA dehydrogenase short chain; plus strand). Cytogenetic location: 12q24.31.
Variant type: single nucleotide variant.
Coding change: c.494C>T on transcript NM_000017.4 (MANE Select); coding-DNA position 494, C replaced by T.
Protein change: p.Ala165Val; replaces alanine 165 with valine.
Molecular consequence: missense variant. On other transcripts: intron variant (1).
Genome position (GRCh38, 1-based): chr12:120,737,858, C>T. VCF-style: chr12-120737858-C-T. GRCh37 (hg19) VCF-style: chr12-121175661-C-T.
Other names: c.473-191C>T (NM_001302554.2); short protein forms A165V.
Identifiers: ClinVar variation 2163675 (VCV002163675.4), dbSNP rs770417119, ClinGen allele CA6830916.